The following is an entry in ClinVar:

ClinVar aggregate classification (germline): Benign/Likely benign. Review status: criteria provided, multiple submitters, no conflicts (2 of 4 stars). 4 submissions from 3 submitters: Benign (1); Likely benign (3). Last evaluated 2021-05-25.

Conditions:
Optic atrophy 3 (OPA3). Also called: OPTIC ATROPHY 3, AUTOSOMAL DOMINANT; Optic atrophy, cataract, and neurologic disorder; Optic atrophy 3 with cataract. Identifiers: Orphanet 67036, MedGen C1833809, MONDO:0008133, OMIM 165300.
3-Methylglutaconic aciduria type 3 (MGCA3). Also called: OPA3, AUTOSOMAL RECESSIVE; OPTIC ATROPHY 3, AUTOSOMAL RECESSIVE; Costeff Syndrome; OPA3-Related 3-Methylglutaconic Aciduria. Identifiers: Orphanet 67047, MedGen C0574084, MONDO:0009787, OMIM 258501.

Allele frequency attached by ClinVar (database versions not stated): gnomAD exomes 0.00094; 1000 Genomes Project 0.00978; 1000 Genomes Project 30x 0.01031; gnomAD 0.01033 and 0.01114; TOPMed 0.01227.
gnomAD v4.1: 2,362 of 982,924 alleles (0.24%); highest among the groups gnomAD compares: African/African-American, 3.8%; 41 homozygotes.

Submissions (4):

GeneDx
Classification: Likely benign. Last evaluated: 2021-05-25. Review status: criteria provided, single submitter. Criteria: GeneDx Variant Classification Process June 2021. Collection method: clinical testing. Allele origin: germline. Affected: yes.

Illumina Laboratory Services, Illumina
Classification: Likely benign for 3-Methylglutaconic aciduria type 3. Last evaluated: 2018-01-12. Review status: criteria provided, single submitter. Criteria: ICSL Variant Classification Criteria 13 December 2019. Collection method: clinical testing. Allele origin: germline.
Comment: This variant was observed in the ICSL laboratory as part of a predisposition screen in an ostensibly healthy population. It had not been previously curated by ICSL or reported in the Human Gene Mutation Database (HGMD: prior to June 1st, 2018), and was therefore a candidate for classification through an automated scoring system. Utilizing variant allele frequency, disease prevalence and penetrance estimates, and inheritance mode, an automated score was calculated to assess if this variant is too frequent to cause the disease. Based on the score and internal cut-off values, a variant classified as likely benign is not then subjected to further curation. The score for this variant resulted in a classification of likely benign for this disease.

Illumina Laboratory Services, Illumina
Classification: Benign for Optic atrophy 3. Last evaluated: 2018-01-12. Review status: criteria provided, single submitter. Criteria: ICSL Variant Classification Criteria 13 December 2019. Collection method: clinical testing. Allele origin: germline.
Comment: This variant was observed in the ICSL laboratory as part of a predisposition screen in an ostensibly healthy population. It had not been previously curated by ICSL or reported in the Human Gene Mutation Database (HGMD: prior to June 1st, 2018), and was therefore a candidate for classification through an automated scoring system. Utilizing variant allele frequency, disease prevalence and penetrance estimates, and inheritance mode, an automated score was calculated to assess if this variant is too frequent to cause the disease. Based on the score and internal cut-off values, a variant classified as benign is not then subjected to further curation. The score for this variant resulted in a classification of benign for this disease.

Breakthrough Genomics
Classification: Likely benign. Review status: criteria provided, single submitter. Criteria: ACMG Guidelines, 2015. Collection method: not provided. Allele origin: germline. Inheritance: Autosomal recessive inheritance. Affected: yes.

NM_025136.4(OPA3):c.*4794C>T

Genes: OPA3 (outer mitochondrial membrane lipid metabolism regulator OPA3; minus strand), OPA3-RTN2 (OPA3-RTN2 readthrough; minus strand). Cytogenetic location: 19q13.32.
Variant type: single nucleotide variant.
Coding change: c.*4794C>T on transcript NM_025136.4 (MANE Select); 4794 bases downstream of the stop codon, C replaced by T.
Molecular consequence: 3 prime UTR variant. On other transcripts: intron variant (1).
Genome position (GRCh38, 1-based): chr19:45,548,720, G>A on the plus strand (C>T on the coding strand, the complement: OPA3 is on the minus strand). VCF-style: chr19-45548720-G-A. GRCh37 (hg19) VCF-style: chr19-46051978-G-A.
Other names: c.143-19264C>T (NM_001017989.3).
Identifiers: ClinVar variation 329597 (VCV000329597.7), dbSNP rs114917731, ClinGen allele CA10648864.